The following is an entry in ClinVar:

ClinVar aggregate classification (germline): Uncertain significance (1 of 4 stars; one submission).

Allele frequency attached by ClinVar (database versions not stated): gnomAD exomes below 0.00001 and 0.00001; ExAC 0.00002.
gnomAD v4.1: 5 of 1,614,250 alleles (0.00031%); highest among the groups gnomAD compares: Non-Finnish European, 0.00042%; no homozygotes.

Submission:

Labcorp Genetics (formerly Invitae), Labcorp
Classification: Uncertain significance. Last evaluated: 2021-07-31. Review status: criteria provided, single submitter. Criteria: Invitae Variant Classification Sherloc (09022015). Collection method: clinical testing. Allele origin: germline.
Comment: This variant has not been reported in the literature in individuals affected with MCM2-related conditions. In summary, the available evidence is currently insufficient to determine the role of this variant in disease. Therefore, it has been classified as a Variant of Uncertain Significance. Algorithms developed to predict the effect of missense changes on protein structure and function are either unavailable or do not agree on the potential impact of this missense change (SIFT: "Deleterious"; PolyPhen-2: "Benign"; Align-GVGD: "Class C0"). This variant is present in population databases (rs761696595, ExAC 0.003%). This sequence change replaces glutamine with arginine at codon 379 of the MCM2 protein (p.Gln379Arg). The glutamine residue is highly conserved and there is a small physicochemical difference between glutamine and arginine.

NM_004526.4(MCM2):c.1136A>G (p.Gln379Arg)

Gene: MCM2 (minichromosome maintenance complex component 2; plus strand). Cytogenetic location: 3q21.3.
Variant type: single nucleotide variant.
Coding change: c.1136A>G on transcript NM_004526.4 (MANE Select); coding-DNA position 1136, A replaced by G.
Protein change: p.Gln379Arg; replaces glutamine 379 with arginine.
Molecular consequence: missense variant. On other transcripts: non-coding transcript variant (1).
Genome position (GRCh38, 1-based): chr3:127,608,416, A>G. VCF-style: chr3-127608416-A-G. GRCh37 (hg19) VCF-style: chr3-127327259-A-G.
Other names: short protein forms Q379R.
Identifiers: ClinVar variation 1509084 (VCV001509084.6), dbSNP rs761696595, ClinGen allele CA2595803.